The following is an entry in ClinVar:

ClinVar aggregate classification (germline): Pathogenic. Review status: criteria provided, multiple submitters, no conflicts (2 of 4 stars). 26 submissions from 25 submitters: Pathogenic (19). 7 of the submissions do not count toward it. Last evaluated 2026-06-10.

Conditions:
Rare genetic deafness. Identifiers: Orphanet 96210, MedGen C5680250.
Monogenic hearing loss.
SLC26A4-related disorder. Also called: SLC26A4-related condition; SLC26A4-related disorders.
Autosomal recessive nonsyndromic hearing loss 4 (DFNB4). Also called: FOXI1-Related Pendred Syndrome; KCNJ10-Related Pendred Syndrome; DEAFNESS, AUTOSOMAL RECESSIVE 4, WITH ENLARGED VESTIBULAR AQUEDUCT, DIGENIC; Deafness, autosomal recessive 4; Nonsyndromic enlarged vestibular aqueduct (NSEVA); NEUROSENSORY NONSYNDROMIC RECESSIVE DEAFNESS 4. Identifiers: Orphanet 90636, MedGen C3538946, MONDO:0010933, OMIM 600791.
Pendred syndrome (PDS). Also called: Pendred's syndrome; DEAFNESS WITH GOITER; GOITER-DEAFNESS SYNDROME; HYPOTHYROIDISM, CONGENITAL, DUE TO DYSHORMONOGENESIS, 2B; THYROID DYSHORMONOGENESIS 2B; THYROID HORMONOGENESIS, GENETIC DEFECT IN, 2B. Identifiers: Orphanet 705, MedGen C0271829, MONDO:0010134, OMIM 274600.
Hearing loss, autosomal recessive. Also called: Deafness, autosomal recessive; Rare autosomal recessive non-syndromic sensorineural deafness type DFNB; Autosomal recessive nonsyndromic deafness; Nonsyndromic Hearing Loss, Recessive. Identifiers: Orphanet 90635, Orphanet 90636, MedGen C1846647, MONDO:0019588, OMIM 607197.

Submissions 1 to 14 of 26:

PreventionGenetics, part of Exact Sciences
Classification: Pathogenic for SLC26A4-related condition. Last evaluated: 2026-06-10. Review status: criteria provided, single submitter. Criteria: ACMG Guidelines, 2015. Collection method: clinical testing. Allele origin: germline.
Comment: The SLC26A4 c.1198delT variant is predicted to result in a frameshift and premature protein termination (p.Cys400Valfs*32). This variant has been reported as pathogenic for Pendred syndrome (described as FS400, Fugazzola et al. 2002. PubMed ID: 11919333; Ladsous et al. 2014. PubMed ID: 24224479; Table S2B, Abu Rayyan et al. 2020. PubMed ID: 32747562). This variant is reported in 0.0058% of alleles in individuals of Latino descent in gnomAD. Frameshift variants in SLC26A4 are expected to be pathogenic. This variant is interpreted as pathogenic.

Labcorp Genetics (formerly Invitae), Labcorp
Classification: Pathogenic. Last evaluated: 2026-01-01. Review status: criteria provided, single submitter. Criteria: Invitae Variant Classification Sherloc (09022015). Collection method: clinical testing. Allele origin: germline.
Comment: This sequence change creates a premature translational stop signal (p.Cys400Valfs*32) in the SLC26A4 gene. It is expected to result in an absent or disrupted protein product. Loss-of-function variants in SLC26A4 are known to be pathogenic (PMID: 16283880, 25394566, 26252218, 26445815). This variant is present in population databases (rs760012666, gnomAD 0.006%). This premature translational stop signal has been observed in individuals with Pendred syndrome (PMID: 9398842, 24224479). It has also been observed to segregate with disease in related individuals. This variant is also known as 1421delT. ClinVar contains an entry for this variant (Variation ID: 43494). Algorithms developed to predict the effect of sequence changes on RNA splicing suggest that this variant may disrupt the consensus splice site. For these reasons, this variant has been classified as Pathogenic.

Natera, Inc.
Classification: Pathogenic for Pendred syndrome. Last evaluated: 2025-12-31. Review status: criteria provided, single submitter. Criteria: Natera Variant Classification Schema (03/2026). Collection method: clinical testing. Allele origin: germline.
Comment: The c.1198delT variant in SLC26A4 is a frameshift variant predicted to shift the reading frame beginning at codon 400 and leads to a stop codon 32 codons downstream. This variant is expected to result in nonsense mediated decay, truncation, or a dysfunctional protein product. This variant is rare in the general population with a frequency below the threshold expected for the associated phenotype(s). This variant has been observed in one or more individuals affected with the associated recessive disease, as either homozygous or compound heterozygous with a second variant (PMID: 31633822). Given the available evidence, this variant is classified as Pathogenic.

GeneDx
Classification: Pathogenic. Last evaluated: 2025-12-30. Review status: criteria provided, single submitter. Criteria: GeneDx Variant Classification Process June 2021. Collection method: clinical testing. Allele origin: germline. Affected: yes.
Comment: Frameshift variant predicted to result in protein truncation or nonsense mediated decay in a gene for which loss-of-function is a known mechanism of disease; Not observed at significant frequency in large population cohorts (gnomAD); This variant is associated with the following publications: (PMID: 25290043, 28964290, 9398842, 21704276, 11748854, 24224479, 26226137, 29048421, 11919333, 23336812, 9618166, 9070918, 10902795, 22903915, 14679580, 32279305, 34426522, 32747562, 31867598, 33152970, 34652575, 19169484, 39333430, 39161163, 30303587)

Genetics Research Center, University of Social Welfare and Rehabilitation Sciences
Classification: Pathogenic for Autosomal recessive nonsyndromic hearing loss 4. Last evaluated: 2025-12-09. Review status: criteria provided, single submitter. Criteria: ACMG Guidelines, 2015. Collection method: research. Allele origin: germline. Affected: yes.
Comment: The variant is present at a very low frequency in the gnomAD v2.1.1 dataset (allele frequency: 0.003%). It is a premature termination codon expected to result in an absent or disrupted protein product. Previous studies have reported its association with SLC26A4-related hearing impairment (PMID: 18813951, 32279305, 19169484, 25290043, 23336812, 21704276, 14679580, 11748854, 2394566, 24224479, 26252218, 9398842, 30303587, 32747562, 26445815, 26445815, 22903915, 16283880, 11919333, 10902795, 9618166).

3billion
Classification: Pathogenic for Autosomal recessive nonsyndromic hearing loss 4. Last evaluated: 2025-11-16. Review status: criteria provided, single submitter. Criteria: ACMG Guidelines, 2015. Collection method: clinical testing. Allele origin: germline. Affected: yes.
Comment: The variant is observed at an extremely low frequency in the gnomAD v4.1.0 dataset (total allele frequency: 0.001%). Predicted Consequence/Location: Frameshift: predicted to result in a loss or disruption of normal protein function through nonsense-mediated decay (NMD) or protein truncation. Multiple pathogenic variants are reported downstream of the variant. The variant has been reported at least twice as pathogenic with clinical assertions and evidence for the classification (ClinVar ID: VCV000043494 /PMID: 9398842 /3billion dataset). Therefore, this variant is classified as Pathogenic according to the recommendation of ACMG/AMP guideline.

Genetics Laboratory, Great Ormond Street Hospital NHS Foundation Trust, North Thames Genomic Laboratory Hub
Classification: Pathogenic for Monogenic hearing loss. Last evaluated: 2025-07-21. Review status: criteria provided, single submitter. Criteria: ACGS Best Practice Guidelines for Variant Classification in Rare Disease 2024 v1.2. Collection method: clinical testing. Allele origin: germline. Affected: yes.
Comment: PM2_supporting, PVS1_very-strong, PM3_strong, PP4_supporting

CeGaT Center for Human Genetics Tuebingen
Classification: Pathogenic. Last evaluated: 2025-07-01. Review status: criteria provided, single submitter. Criteria: CeGaT Center For Human Genetics Tuebingen Variant Classification Criteria Version 2. Collection method: clinical testing. Allele origin: germline. Affected: yes. Observed: 5 variant alleles.
Comment: SLC26A4: PM3:Very Strong, PVS1, PM2

Revvity Omics, Revvity
Classification: Pathogenic. Last evaluated: 2025-03-18. Review status: criteria provided, single submitter. Criteria: ACMG Guidelines, 2015. Collection method: clinical testing. Allele origin: germline.

Baylor Genetics
Classification: Pathogenic for Autosomal recessive nonsyndromic hearing loss 4. Last evaluated: 2024-03-30. Review status: criteria provided, single submitter. Criteria: ACMG Guidelines, 2015. Collection method: clinical testing. Allele origin: unknown.

Genomic Medicine Center of Excellence, King Faisal Specialist Hospital and Research Centre
Classification: Pathogenic for Autosomal recessive nonsyndromic hearing loss 4. Last evaluated: 2024-03-26. Review status: criteria provided, single submitter. Criteria: ACMG Guidelines, 2015. Collection method: clinical testing. Allele origin: germline.

Fulgent Genetics
Classification: Pathogenic for Pendred syndrome; Autosomal recessive nonsyndromic hearing loss 4. Last evaluated: 2024-03-14. Review status: criteria provided, single submitter. Criteria: ACMG Guidelines, 2015. Collection method: clinical testing. Allele origin: germline.

Laboratory of Medical Genetics, National & Kapodistrian University of Athens
Classification: Pathogenic for Pendred syndrome. Last evaluated: 2024-02-01. Review status: criteria provided, single submitter. Criteria: ACMG Guidelines, 2015. Collection method: curation. Allele origin: germline. Affected: no.

Blueprint Genetics
Classification: Pathogenic for SLC26A4-related disorders. Last evaluated: 2024-01-22. Review status: criteria provided, single submitter. Criteria: ACMG Guidelines, 2015. Collection method: clinical testing. Allele origin: germline. Affected: yes. Observed: 5 variant alleles.

NM_000441.2(SLC26A4):c.1198del (p.Cys400fs)

Gene: SLC26A4 (solute carrier family 26 member 4; plus strand). Cytogenetic location: 7q22.3.
Variant type: Deletion.
Coding change: c.1198del on transcript NM_000441.2 (MANE Select); coding-DNA position 1198, one base deleted (T; older notation c.1198delT).
Protein change: p.Cys400fs; shifts the reading frame from cysteine 400.
Genome position (GRCh38, 1-based): chr7:107,690,172, T deleted; the last of 2 consecutive T bases (chr7:107,690,171-107,690,172); deleting either gives the same sequence. VCF-style (leftmost placement, unchanged base first): chr7-107690170-CT-C. GRCh37 (hg19) VCF-style: chr7-107330615-CT-C.
Other names: c.1197delT (NM_000441.1); c.1198del (NM_000441.1); short protein forms C400fs.
Identifiers: ClinVar variation 43494 (VCV000043494.116), dbSNP rs397516413, ClinGen allele CA261399.